The following is an entry in ClinVar:

NM_000342.4(SLC4A1):c.168+4A>G

Gene: SLC4A1 (solute carrier family 4 member 1 (Diego blood group); minus strand). Cytogenetic location: 17q21.31.
Variant type: single nucleotide variant.
Coding change: c.168+4A>G on transcript NM_000342.4 (MANE Select); 4 bases into the intron after coding-DNA position 168, A replaced by G.
Molecular consequence: intron variant.
Genome position (GRCh38, 1-based): chr17:44,261,571, T>C on the plus strand (A>G on the coding strand, the complement: SLC4A1 is on the minus strand). VCF-style: chr17-44261571-T-C. GRCh37 (hg19) VCF-style: chr17-42338939-T-C.
Identifiers: ClinVar variation 4685814 (VCV004685814.2).

ClinVar aggregate classification (germline): Uncertain significance. Review status: criteria provided, multiple submitters, no conflicts (2 of 4 stars). 2 submissions from 2 submitters: Uncertain significance (2). Last evaluated 2025-05-30.

gnomAD v4.1: 1 of 1,614,174 alleles (0.000062%); highest among the groups gnomAD compares: Non-Finnish European, 0.000085%; no homozygotes.

Submissions (2):

Labcorp Genetics (formerly Invitae), Labcorp
Classification: Uncertain significance. Last evaluated: 2025-05-30. Review status: criteria provided, single submitter. Criteria: Invitae Variant Classification Sherloc (09022015). Collection method: clinical testing. Allele origin: germline.
Comment: This sequence change falls in intron 4 of the SLC4A1 gene. It does not directly change the encoded amino acid sequence of the SLC4A1 protein. It affects a nucleotide within the consensus splice site. This variant is not present in population databases (gnomAD no frequency). This variant has not been reported in the literature in individuals affected with SLC4A1-related conditions. Variants that disrupt the consensus splice site are a relatively common cause of aberrant splicing (PMID: 17576681, 9536098). Algorithms developed to predict the effect of sequence changes on RNA splicing suggest that this variant may disrupt the consensus splice site. In summary, the available evidence is currently insufficient to determine the role of this variant in disease. Therefore, it has been classified as a Variant of Uncertain Significance.

ARUP Laboratories, Molecular Genetics and Genomics, ARUP Laboratories
Classification: Uncertain significance. Last evaluated: 2025-05-14. Review status: criteria provided, single submitter. Criteria: ARUP Molecular Germline Variant Investigation Process 2024. Collection method: clinical testing. Allele origin: germline.
Comment: The SLC4A1 c.168+4A>G variant, to our knowledge, is not reported in the medical literature or gene specific databases. This variant is also absent from the Genome Aggregation Database (v2.1.1), indicating it is not a common polymorphism. This is an intronic variant and computational analyses (Alamut Visual Plus v.1.12) predict that this variant may impact splicing by weakening the nearby canonical donor splice site. However, given the lack of clinical and functional data, the significance of this variant is uncertain at this time.

Literature cited by the submitters: PubMed 17576681 (cited by Labcorp Genetics (formerly Invitae), Labcorp); PubMed 9536098 (cited by Labcorp Genetics (formerly Invitae), Labcorp).